The following is an entry in ClinVar:

ClinVar aggregate classification (germline): Uncertain significance (1 of 4 stars; one submission).

Conditions:
Immunodeficiency, common variable, 10. Also called: DEFICIT IN ANTERIOR PITUITARY FUNCTION AND VARIABLE IMMUNODEFICIENCY; IMMUNODEFICIENCY, COMMON VARIABLE, WITH CENTRAL ADRENAL INSUFFICIENCY. Identifiers: MedGen C3809991, MONDO:0014260, OMIM 615577.

Allele frequency attached by ClinVar (database versions not stated): TOPMed below 0.00001; gnomAD 0.00001; gnomAD exomes 0.00001.
gnomAD v4.1: 8 of 1,496,908 alleles (0.00053%); highest among the groups gnomAD compares: Non-Finnish European, 0.00071%; no homozygotes.

Submission:

Labcorp Genetics (formerly Invitae), Labcorp
Classification: Uncertain significance for Immunodeficiency, common variable, 10. Last evaluated: 2022-03-11. Review status: criteria provided, single submitter. Criteria: Invitae Variant Classification Sherloc (09022015). Collection method: clinical testing. Allele origin: germline.
Comment: This sequence change replaces glutamine, which is neutral and polar, with lysine, which is basic and polar, at codon 435 of the NFKB2 protein (p.Gln435Lys). In summary, the available evidence is currently insufficient to determine the role of this variant in disease. Therefore, it has been classified as a Variant of Uncertain Significance. Algorithms developed to predict the effect of missense changes on protein structure and function (SIFT, PolyPhen-2, Align-GVGD) all suggest that this variant is likely to be tolerated. This variant has not been reported in the literature in individuals affected with NFKB2-related conditions. This variant is not present in population databases (gnomAD no frequency).

NM_001322934.2(NFKB2):c.1303C>A (p.Gln435Lys)

Genes: NFKB2 (nuclear factor kappa B subunit 2; plus strand), LOC130004599 (ATAC-STARR-seq lymphoblastoid silent region 2756; plus strand). Cytogenetic location: 10q24.32.
Variant type: single nucleotide variant.
Coding change: c.1303C>A on transcript NM_001322934.2 (MANE Select); coding-DNA position 1303, C replaced by A.
Protein change: p.Gln435Lys; replaces glutamine 435 with lysine.
Molecular consequence: missense variant.
Genome position (GRCh38, 1-based): chr10:102,399,473, C>A. VCF-style: chr10-102399473-C-A. GRCh37 (hg19) VCF-style: chr10-104159230-C-A.
Other names: c.1303C>A, p.Gln435Lys (NM_001077493.1, NM_001077494.3, NM_001261403.3 and 2 more transcripts); c.1177C>A, p.Gln393Lys (NM_001322935.1); short protein forms Q393K, Q435K.
Identifiers: ClinVar variation 2062240 (VCV002062240.4), dbSNP rs2061183115, ClinGen allele CA377899322.
Genomic context (GRCh38, chr10:102,399,473, plus strand): 5'-GACTCCGGGGAGGAAGCCGCGGAGCCAAGCGCCCCCTCCAGGACCCCCCAGTGCGAGCCG[C>A]AGGCCCCGGAGATGCTGCAGCGAGGTATGGACTCCGGGGCACGGGCGGTCGGGGCGCCGG-3'
Protein context (NP_001309863.1, residues 425-445): APSRTPQCEP[Gln435Lys]APEMLQRARE